The following is an entry in ClinVar:

NM_000112.4(SLC26A2):c.*4419A>C

Gene: SLC26A2 (solute carrier family 26 member 2; plus strand). Cytogenetic location: 5q32.
Variant type: single nucleotide variant.
Coding change: c.*4419A>C on transcript NM_000112.4 (MANE Select); 4419 bases downstream of the stop codon, A replaced by C.
Molecular consequence: 3 prime UTR variant.
Genome position (GRCh38, 1-based): chr5:149,986,232, A>C. VCF-style: chr5-149986232-A-C. GRCh37 (hg19) VCF-style: chr5-149365795-A-C.
Identifiers: ClinVar variation 905611 (VCV000905611.4), dbSNP rs140200789, ClinGen allele CA129086221.

ClinVar aggregate classification (germline): Conflicting classifications of pathogenicity. Review status: criteria provided, conflicting classifications (1 of 4 stars). 5 submissions from 1 submitter: Uncertain significance (2); Likely benign (3). Last evaluated 2018-01-13.

Conditions:
Sulfate transporter-related osteochondrodysplasia. Also called: DTDST-related dysplasias. Identifiers: MedGen CN120497. Disease mechanism: loss of function.
Achondrogenesis, type IB (ACG1B). Also called: Achondrogenesis Type 1B. Identifiers: Orphanet 932, Orphanet 93298, MedGen C0265274, MONDO:0010966, OMIM 600972.
Multiple epiphyseal dysplasia type 4 (EDM4). Also called: SLC26A2-Related Multiple Epiphyseal Dysplasia; MULTIPLE EPIPHYSEAL DYSPLASIA WITH BILAYERED PATELLAE; MULTIPLE EPIPHYSEAL DYSPLASIA WITH CLUBFOOT; MULTIPLE EPIPHYSEAL DYSPLASIA, AUTOSOMAL RECESSIVE; Multiple Epiphyseal Dysplasia, Recessive. Identifiers: Orphanet 93307, MedGen C1847593, MONDO:0009189, OMIM 226900.
Atelosteogenesis type II (AO2). Also called: Neonatal osseous dysplasia 1; NEONATAL OSSEOUS DYSPLASIA I; SLC26A2-Related Atelosteogenesis. Identifiers: Orphanet 56304, MedGen C1850554, MONDO:0009727, OMIM 256050.
Diastrophic dysplasia (DTD). Also called: Diastrophic dwarfism. Identifiers: Orphanet 628, MedGen C0220726, MONDO:0009107, OMIM 222600.

Allele frequency attached by ClinVar (database versions not stated): TOPMed 0.00175; 1000 Genomes Project 30x 0.00203; 1000 Genomes Project 0.00240.
gnomAD v4.1: 244 of 151,276 alleles (0.16%); highest among the groups gnomAD compares: African/African-American, 0.56%; no homozygotes.

Submissions (5):

Illumina Laboratory Services, Illumina
Classification: Likely benign for Atelosteogenesis type II. Last evaluated: 2018-01-13. Review status: criteria provided, single submitter. Criteria: ICSL Variant Classification Criteria 13 December 2019. Collection method: clinical testing. Allele origin: germline.
Comment: This variant was observed in the ICSL laboratory as part of a predisposition screen in an ostensibly healthy population. It had not been previously curated by ICSL or reported in the Human Gene Mutation Database (HGMD: prior to June 1st, 2018), and was therefore a candidate for classification through an automated scoring system. Utilizing variant allele frequency, disease prevalence and penetrance estimates, and inheritance mode, an automated score was calculated to assess if this variant is too frequent to cause the disease. Based on the score and internal cut-off values, a variant classified as likely benign is not then subjected to further curation. The score for this variant resulted in a classification of likely benign for this disease.

Illumina Laboratory Services, Illumina
Classification: Likely benign for Diastrophic dysplasia. Last evaluated: 2018-01-13. Review status: criteria provided, single submitter. Criteria: ICSL Variant Classification Criteria 13 December 2019. Collection method: clinical testing. Allele origin: germline.
Comment: the same text as in the submission from Illumina Laboratory Services, Illumina above.

Illumina Laboratory Services, Illumina
Classification: Uncertain significance for Osteochondrodysplasia. Last evaluated: 2018-01-13. Review status: criteria provided, single submitter. Criteria: ICSL Variant Classification Criteria 13 December 2019. Collection method: clinical testing. Allele origin: germline.

Illumina Laboratory Services, Illumina
Classification: Uncertain significance for Multiple epiphyseal dysplasia type 4. Last evaluated: 2018-01-13. Review status: criteria provided, single submitter. Criteria: ICSL Variant Classification Criteria 13 December 2019. Collection method: clinical testing. Allele origin: germline.

Illumina Laboratory Services, Illumina
Classification: Likely benign for Achondrogenesis, type IB. Last evaluated: 2018-01-13. Review status: criteria provided, single submitter. Criteria: ICSL Variant Classification Criteria 13 December 2019. Collection method: clinical testing. Allele origin: germline.
Comment: the same text as in the submission from Illumina Laboratory Services, Illumina above.